The following is an entry in ClinVar:

NM_001396959.1(TBC1D1):c.1418C>G (p.Ser473Trp)

Gene: TBC1D1 (TBC1 domain family member 1; plus strand). Cytogenetic location: 4p14.
Variant type: single nucleotide variant.
Coding change: c.1418C>G on transcript NM_001396959.1 (MANE Select); coding-DNA position 1418, C replaced by G.
Protein change: p.Ser473Trp; replaces serine 473 with tryptophan.
Molecular consequence: missense variant.
Genome position (GRCh38, 1-based): chr4:38,044,366, C>G. VCF-style: chr4-38044366-C-G. GRCh37 (hg19) VCF-style: chr4-38045987-C-G.
Other names: c.1418C>G, p.Ser473Trp (NM_001253912.2, NM_015173.4); short protein forms S473W.
Identifiers: ClinVar variation 2634772 (VCV002634772.1), dbSNP rs540156102, ClinGen allele CA2887757.

ClinVar aggregate classification (germline): Uncertain significance (1 of 4 stars; one submission).

Conditions:
TBC1D1-related disorder. Also called: TBC1D1-related condition.

Allele frequency attached by ClinVar (database versions not stated): 1000 Genomes Project 0.00020; 1000 Genomes Project 30x 0.00031.
gnomAD v4.1: 44 of 1,598,798 alleles (0.0028%); highest among the groups gnomAD compares: South Asian, 0.05%; no homozygotes.

Submission:

PreventionGenetics, part of Exact Sciences
Classification: Uncertain significance for TBC1D1-related condition. Last evaluated: 2022-11-28. Review status: criteria provided, single submitter. Criteria: ACMG Guidelines, 2015. Collection method: clinical testing. Allele origin: germline.
Comment: The TBC1D1 c.1418C>G variant is predicted to result in the amino acid substitution p.Ser473Trp. To our knowledge, this variant has not been reported in the literature. This variant is reported in 0.042% of alleles in individuals of South Asian descent in gnomAD. At this time, the clinical significance of this variant is uncertain due to the absence of conclusive functional and genetic evidence.